The following is an entry in ClinVar:

NM_002474.3(MYH11):c.502+291T>C

Gene: MYH11 (myosin heavy chain 11; minus strand). Cytogenetic location: 16p13.11.
Variant type: single nucleotide variant.
Coding change: c.502+291T>C on transcript NM_002474.3 (MANE Select); 291 bases into the intron after coding-DNA position 502, T replaced by C.
Molecular consequence: intron variant.
Genome position (GRCh38, 1-based): chr16:15,822,964, A>G on the plus strand (T>C on the coding strand, the complement: MYH11 is on the minus strand). VCF-style: chr16-15822964-A-G. GRCh37 (hg19) VCF-style: chr16-15916821-A-G.
Other names: c.502+291T>C (NM_022844.3, NM_001040114.2, NM_001040113.2).
Identifiers: ClinVar variation 669971 (VCV000669971.1), dbSNP rs115976657, ClinGen allele CA278622667.
Genomic context (GRCh38, chr16:15,822,964, plus strand): 5'-GTTGAGGGACAGGTAGGTGTCAACACAGACCACAATGGCTCAGCCCCAGGGCTGTTCCCC[A>G]CCCTCTTTCCATCCTTTGCAGACAGCTGGCCCGACGGGGACCTTGGGCAGCGAGCCCCGG-3'

ClinVar aggregate classification (germline): Benign (1 of 4 stars; one submission).

Allele frequency attached by ClinVar (database versions not stated): gnomAD 0.01483 and 0.01583; 1000 Genomes Project 30x 0.01499; 1000 Genomes Project 0.01558; TOPMed 0.01587.
gnomAD v4.1: 2,222 of 152,114 alleles (1.5%); highest among the groups gnomAD compares: African/African-American, 5.1%; 56 homozygotes.

Submission:

GeneDx
Classification: Benign. Last evaluated: 2018-06-16. Review status: criteria provided, single submitter. Criteria: GeneDx Variant Classification (06012015). Collection method: clinical testing. Allele origin: germline. Affected: yes.
Comment: This variant is considered likely benign or benign based on one or more of the following criteria: it is a conservative change, it occurs at a poorly conserved position in the protein, it is predicted to be benign by multiple in silico algorithms, and/or has population frequency not consistent with disease.